The following is an entry in ClinVar:

NM_019055.6(ROBO4):c.406C>A (p.Arg136=)

Gene: ROBO4 (roundabout guidance receptor 4; minus strand). Cytogenetic location: 11q24.2.
Variant type: single nucleotide variant.
Coding change: c.406C>A on transcript NM_019055.6 (MANE Select); coding-DNA position 406, C replaced by A.
Protein change: p.Arg136=; no amino-acid change (arginine 136 retained).
Molecular consequence: synonymous variant. On other transcripts: 5 prime UTR variant (1).
Genome position (GRCh38, 1-based): chr11:124,896,665, G>T on the plus strand (C>A on the coding strand, the complement: ROBO4 is on the minus strand). VCF-style: chr11-124896665-G-T. GRCh37 (hg19) VCF-style: chr11-124766561-G-T.
Other names: c.-30C>A (NM_001301088.2).
Identifiers: ClinVar variation 2642509 (VCV002642509.24), dbSNP rs201364262, ClinGen allele CA477695422.
Genomic context (GRCh38, chr11:124,896,665, plus strand): 5'-GAGTAAACTGCTCACCCACCACAGCCACCATGTCCCGAGGCTGGATCTGGAAATCCTCCC[G>T]GAGGACTGTGGGGAGGATGGAAGGTGACACGGAGCAGGGCCCAGGCCTCTTCTCTCTCCC-3'
Protein context (NP_061928.4, residues 126-146): RGARLSVAVL[Arg136=]EDFQIQPRDM

ClinVar aggregate classification (germline): Likely benign (1 of 4 stars; one submission).

gnomAD v4.1: 2 of 1,613,844 alleles (0.00012%); highest among the groups gnomAD compares: Non-Finnish European, 0.000085%; no homozygotes.

Submission:

CeGaT Center for Human Genetics Tuebingen
Classification: Likely benign. Last evaluated: 2022-08-01. Review status: criteria provided, single submitter. Criteria: CeGaT Center For Human Genetics Tuebingen Variant Classification Criteria Version 2. Collection method: clinical testing. Allele origin: germline. Affected: yes. Observed: 1 variant allele.
Comment: ROBO4: PM2:Supporting, BP4, BP7